The following is an entry in ClinVar:

ClinVar aggregate classification (germline): Uncertain significance. Review status: criteria provided, multiple submitters, no conflicts (2 of 4 stars). 2 submissions from 2 submitters: Uncertain significance (2). Last evaluated 2025-10-15.

Allele frequency attached by ClinVar (database versions not stated): ExAC 0.00002; gnomAD exomes 0.00002; gnomAD 0.00003.
gnomAD v4.1: 34 of 1,614,058 alleles (0.0021%); highest among the groups gnomAD compares: African/African-American, 0.0027%; no homozygotes.

Submissions (2):

Women's Health and Genetics/Laboratory Corporation of America, LabCorp
Classification: Uncertain significance. Last evaluated: 2025-10-15. Review status: criteria provided, single submitter. Criteria: LabCorp Variant Classification Summary - May 2015. Collection method: clinical testing. Allele origin: germline.
Comment: Variant summary: FAT2 c.1829T>A (p.Phe610Tyr) results in a conservative amino acid change in the encoded protein sequence. Algorithms developed to predict the effect of missense changes on protein structure and function are either unavailable or do not agree on the potential impact of this missense change. The variant allele was found at a frequency of 2.4e-05 in 251362 control chromosomes. The available data on variant occurrences in the general population are insufficient to allow any conclusion about variant significance. c.1829T>A has been observed in individual(s) affected with congenital Spinocerebellar Ataxia (example: Bessis_2024). These report(s) do not provide unequivocal conclusions about association of the variant with Spinocerebellar Ataxia 45. To our knowledge, no experimental evidence demonstrating an impact on protein function has been reported. The following publication has been ascertained in the context of this evaluation (PMID: 38828639). ClinVar contains an entry for this variant (Variation ID: 2895720). Based on the evidence outlined above, the variant was classified as uncertain significance.

Labcorp Genetics (formerly Invitae), Labcorp
Classification: Uncertain significance. Last evaluated: 2024-10-22. Review status: criteria provided, single submitter. Criteria: Invitae Variant Classification Sherloc (09022015). Collection method: clinical testing. Allele origin: germline.
Comment: This sequence change replaces phenylalanine, which is neutral and non-polar, with tyrosine, which is neutral and polar, at codon 610 of the FAT2 protein (p.Phe610Tyr). This variant is present in population databases (rs757553970, gnomAD 0.005%). This variant has not been reported in the literature in individuals affected with FAT2-related conditions. Invitae Evidence Modeling of protein sequence and biophysical properties (such as structural, functional, and spatial information, amino acid conservation, physicochemical variation, residue mobility, and thermodynamic stability) has been performed for this missense variant. However, the output from this modeling did not meet the statistical confidence thresholds required to predict the impact of this variant on FAT2 protein function. In summary, the available evidence is currently insufficient to determine the role of this variant in disease. Therefore, it has been classified as a Variant of Uncertain Significance.

Literature cited by the submitters: PubMed 38828639 (cited by Women's Health and Genetics/Laboratory Corporation of America, LabCorp).

NM_001447.3(FAT2):c.1829T>A (p.Phe610Tyr)

Gene: FAT2 (FAT atypical cadherin 2; minus strand). Cytogenetic location: 5q33.1.
Variant type: single nucleotide variant.
Coding change: c.1829T>A on transcript NM_001447.3 (MANE Select); coding-DNA position 1829, T replaced by A.
Protein change: p.Phe610Tyr; replaces phenylalanine 610 with tyrosine.
Molecular consequence: missense variant.
Genome position (GRCh38, 1-based): chr5:151,567,103, A>T on the plus strand (T>A on the coding strand, the complement: FAT2 is on the minus strand). VCF-style: chr5-151567103-A-T. GRCh37 (hg19) VCF-style: chr5-150946664-A-T.
Other names: short protein forms F610Y.
Identifiers: ClinVar variation 2895720 (VCV002895720.4), dbSNP rs757553970, ClinGen allele CA3522180.